The following is an entry in ClinVar:

NM_000059.4(BRCA2):c.3064_3070del (p.His1022fs)

Gene: BRCA2 (BRCA2 DNA repair associated; plus strand). Cytogenetic location: 13q13.1.
Variant type: Deletion.
Coding change: c.3064_3070del on transcript NM_000059.4 (MANE Select); coding-DNA positions 3064 to 3070, 7 bases deleted (CATAACA; older notation c.3064_3070delCATAACA).
Protein change: p.His1022fs; shifts the reading frame from histidine 1022.
Molecular consequence: frameshift variant. On other transcripts: non-coding transcript variant (1), intron variant (2).
Genome position (GRCh38, 1-based): chr13:32,337,419-32,337,425, CATAACA deleted; deleting any 7 consecutive bases within chr13:32,337,418-32,337,425 gives the same sequence; the c. name uses the placement nearest the transcript's 3' end. VCF-style (leftmost placement, unchanged base first): chr13-32337417-AACATAAC-A. GRCh37 (hg19) VCF-style: chr13-32911554-AACATAAC-A.
Other names: c.3064_3070del, p.His1022fs (NM_001406719.1, NM_001406720.1); c.1909+4032_1909+4038del (NM_001406721.1); c.424+6389_424+6395del (NM_001406722.1); short protein forms H1022fs.
Identifiers: ClinVar variation 2566028 (VCV002566028.2), dbSNP rs2548525143, ClinGen allele CA2580614684.
Genomic context (GRCh38, chr13:32,337,417, plus strand): 5'-CAAATCACAGTTTTGGAGGTAGCTTCAGAACAGCTTCAAATAAGGAAATCAAGCTCTCTG[AACATAAC>A]ATTAAGAAGAGCAAAATGTTCTTCAAAGATATTGAAGAACAATATCCTACTAGTTTAGCT-3'

ClinVar aggregate classification (germline): Pathogenic (1 of 4 stars; one submission).

Conditions:
Hereditary cancer-predisposing syndrome. Also called: Neoplastic Syndromes, Hereditary; Hereditary Cancer Syndrome; Hereditary neoplastic syndrome; Tumor predisposition. Identifiers: Orphanet 140162, MedGen C0027672, MeSH D009386, MONDO:0015356.

Submission:

Ambry Genetics
Classification: Pathogenic for Hereditary cancer-predisposing syndrome. Last evaluated: 2023-05-24. Review status: criteria provided, single submitter. Criteria: Ambry Variant Classification Scheme 2023. Collection method: clinical testing. Allele origin: germline.
Comment: The c.3064_3070delCATAACA pathogenic mutation, located in coding exon 10 of the BRCA2 gene, results from a deletion of 7 nucleotides at nucleotide positions 3064 to 3070, causing a translational frameshift with a predicted alternate stop codon (p.H1022Lfs*19). This variant is considered to be rare based on population cohorts in the Genome Aggregation Database (gnomAD). This alteration is expected to result in loss of function by premature protein truncation or nonsense-mediated mRNA decay. As such, this alteration is interpreted as a disease-causing mutation.